The following is an entry in ClinVar:

ClinVar aggregate classification (germline): Uncertain significance. Review status: criteria provided, multiple submitters, no conflicts (2 of 4 stars). 2 submissions from 2 submitters: Uncertain significance (2). Last evaluated 2024-10-07.

Allele frequency attached by ClinVar (database versions not stated): gnomAD 0.00001; gnomAD exomes 0.00002 and 0.00005; ExAC 0.00006; 1000 Genomes Project 30x 0.00031; 1000 Genomes Project 0.00040.
gnomAD v4.1: 25 of 1,586,660 alleles (0.0016%); highest among the groups gnomAD compares: South Asian, 0.028%; no homozygotes.

Submissions (2):

Ambry Genetics
Classification: Uncertain significance. Last evaluated: 2024-10-07. Review status: criteria provided, single submitter. Criteria: Ambry Variant Classification Scheme 2023. Collection method: clinical testing. Allele origin: germline.
Comment: The p.G791R variant (also known as c.2371G>A), located in coding exon 15 of the RINT1 gene, results from a G to A substitution at nucleotide position 2371. The glycine at codon 791 is replaced by arginine, an amino acid with dissimilar properties. This amino acid position is conserved. In addition, the in silico prediction for this alteration is inconclusive. Since supporting evidence is limited at this time, the clinical significance of this alteration remains unclear.

Labcorp Genetics (formerly Invitae), Labcorp
Classification: Uncertain significance. Last evaluated: 2023-08-09. Review status: criteria provided, single submitter. Criteria: Invitae Variant Classification Sherloc (09022015). Collection method: clinical testing. Allele origin: germline.
Comment: This sequence change replaces glycine, which is neutral and non-polar, with arginine, which is basic and polar, at codon 791 of the RINT1 protein (p.Gly791Arg). This variant is present in population databases (rs543042477, gnomAD 0.05%). This variant has not been reported in the literature in individuals affected with RINT1-related conditions. ClinVar contains an entry for this variant (Variation ID: 956694). An algorithm developed to predict the effect of missense changes on protein structure and function (PolyPhen-2) suggests that this variant is likely to be disruptive. In summary, the available evidence is currently insufficient to determine the role of this variant in disease. Therefore, it has been classified as a Variant of Uncertain Significance.

NM_021930.6(RINT1):c.2371G>A (p.Gly791Arg)

Genes: EFCAB10 (EF-hand calcium binding domain 10; minus strand), RINT1 (RAD50 interactor 1; plus strand). Cytogenetic location: 7q22.3.
Variant type: single nucleotide variant.
Coding change: c.2371G>A on transcript NM_021930.6 (MANE Select); coding-DNA position 2371, G replaced by A.
Protein change: p.Gly791Arg; replaces glycine 791 with arginine.
Molecular consequence: missense variant. On other transcripts: 3 prime UTR variant (2), non-coding transcript variant (1), intron variant (3).
Genome position (GRCh38, 1-based): chr7:105,567,303, G>A. VCF-style: chr7-105567303-G-A. GRCh37 (hg19) VCF-style: chr7-105207750-G-A.
Other names: c.*151C>T (NM_001355527.2, NM_001355529.2); c.2137G>A, p.Gly713Arg (NM_001346599.2); c.1348G>A, p.Gly450Arg (NM_001346600.2, NM_001346603.2); c.1447G>A, p.Gly483Arg (NM_001346601.2); c.360-1856C>T (NM_001355531.2); c.383+164C>T (NM_001355526.2, NM_001355530.2); short protein forms G450R, G483R, G713R, G791R.
Identifiers: ClinVar variation 956694 (VCV000956694.13), dbSNP rs543042477, ClinGen allele CA4426942.
Genomic context (GRCh38, chr7:105,567,303, plus strand): 5'-AAACTGGCTCAACAAGATGTTGAGATTCTACTTAATTTGAGGACAAATTGGCCTAATACT[G>A]GAAAATAATGTCTTTCAGAAAAAGGTTTCTTTGGTTTTTGTTTCTAAGAAAGAGGAAGCC-3'
Protein context (NP_068749.3, residues 781-792): LNLRTNWPNT[Gly791Arg]K